The following is an entry in ClinVar:

NM_002335.4(LRP5):c.4293G>A (p.Pro1431=)

Gene: LRP5 (LDL receptor related protein 5; plus strand). Cytogenetic location: 11q13.2.
Variant type: single nucleotide variant.
Coding change: c.4293G>A on transcript NM_002335.4 (MANE Select); coding-DNA position 4293, G replaced by A.
Protein change: p.Pro1431=; no amino-acid change (proline 1431 retained).
Molecular consequence: synonymous variant.
Genome position (GRCh38, 1-based): chr11:68,438,627, G>A. VCF-style: chr11-68438627-G-A. GRCh37 (hg19) VCF-style: chr11-68206095-G-A.
Other names: c.2550G>A, p.Pro850= (NM_001291902.2).
Identifiers: ClinVar variation 741433 (VCV000741433.12), dbSNP rs142283161, ClinGen allele CA6150307.
Genomic context (GRCh38, chr11:68,438,627, plus strand): 5'-GTGCCAGCGCTATGCGGGGGCCAACGGGCCCTTCCCGCACGAGTATGTCAGCGGGACCCC[G>A]CACGTGCCCCTCAATTTCATAGCCCCGGGCGGTTCCCAGCATGGCCCCTTCACAGGTAAG-3'
Protein context (NP_002326.2, residues 1421-1441): PFPHEYVSGT[Pro1431=]HVPLNFIAPG

ClinVar aggregate classification (germline): Likely benign. Review status: criteria provided, multiple submitters, no conflicts (2 of 4 stars). 3 submissions from 3 submitters: Likely benign (3). Last evaluated 2026-01-05.

Conditions:
LRP5-related disorder. Also called: LRP5-related condition.

Allele frequency attached by ClinVar (database versions not stated): gnomAD 0.00019 and 0.00017; TOPMed 0.00022; ESP Exome Variant Server 0.00038; gnomAD exomes 0.00006; ExAC 0.00008.
gnomAD v4.1: 50 of 1,613,416 alleles (0.0031%); highest among the groups gnomAD compares: African/African-American, 0.056%; no homozygotes.

Submissions (3):

Labcorp Genetics (formerly Invitae), Labcorp
Classification: Likely benign. Last evaluated: 2026-01-05. Review status: criteria provided, single submitter. Criteria: Invitae Variant Classification Sherloc (09022015). Collection method: clinical testing. Allele origin: germline.

PreventionGenetics, part of Exact Sciences
Classification: Likely benign for LRP5-related condition. Last evaluated: 2025-06-01. Review status: criteria provided, single submitter. Criteria: ACMG Guidelines, 2015. Collection method: clinical testing. Allele origin: germline.
Comment: This variant is classified as likely benign based on ACMG/AMP sequence variant interpretation guidelines (Richards et al. 2015 PMID: 25741868, with internal and published modifications).

Blueprint Genetics
Classification: Likely benign. Last evaluated: 2021-08-05. Review status: criteria provided, single submitter. Criteria: ACMG Guidelines, 2015. Collection method: clinical testing. Allele origin: germline.